The following is an entry in ClinVar:

NM_017534.6(MYH2):c.682C>A (p.Pro228Thr)

Genes: MYH2 (myosin heavy chain 2; minus strand), MYHAS (myosin heavy chain gene cluster antisense RNA; plus strand), LOC126862501 (CDK7 strongly-dependent group 2 enhancer GRCh37_chr17:10446256-10447455; plus strand). Cytogenetic location: 17p13.1.
Variant type: single nucleotide variant.
Coding change: c.682C>A on transcript NM_017534.6 (MANE Select); coding-DNA position 682, C replaced by A.
Protein change: p.Pro228Thr; replaces proline 228 with threonine.
Molecular consequence: missense variant.
Genome position (GRCh38, 1-based): chr17:10,543,770, G>T on the plus strand (C>A on the coding strand, the complement: MYH2 is on the minus strand). VCF-style: chr17-10543770-G-T. GRCh37 (hg19) VCF-style: chr17-10447087-G-T.
Other names: c.682C>A, p.Pro228Thr (NM_001100112.2); c.682C>A (NM_017534.5); short protein forms P228T.
Identifiers: ClinVar variation 1052431 (VCV001052431.6), dbSNP rs367639163, ClinGen allele CA8391568.
Genomic context (GRCh38, chr17:10,543,770, plus strand): 5'-CAAAGCGAGAGGAGTTGTCATTCCTCACGGTCTTGGCGTTGCCAAAGGCCTCCAGTAGGG[G>T]GTTGGCACTGATGATTTGATCTTCCAGAGTCCCCTGCAAAGGCAAGAGCAGTCCTTGCAT-3'
Protein context (NP_060004.3, residues 218-238): TLEDQIISAN[Pro228Thr]LLEAFGNAKT

ClinVar aggregate classification (germline): Uncertain significance. Review status: criteria provided, multiple submitters, no conflicts (2 of 4 stars). 2 submissions from 2 submitters: Uncertain significance (2). Last evaluated 2024-12-10.

Conditions:
Inborn genetic diseases. Identifiers: MedGen C0950123, MeSH D030342.
Myopathy, proximal, and ophthalmoplegia (CMYO6). Also called: INCLUSION BODY MYOPATHY 3, AUTOSOMAL DOMINANT; MYOPATHY WITH CONGENITAL JOINT CONTRACTURES, OPHTHALMOPLEGIA, AND RIMMED VACUOLES; CONGENITAL MYOPATHY 6 WITH OPHTHALMOPLEGIA. Identifiers: Orphanet 363677, Orphanet 79091, MedGen C1854106, MONDO:0011577, OMIM 605637.

Allele frequency attached by ClinVar (database versions not stated): gnomAD exomes 0.00001; gnomAD 0.00002.
gnomAD v4.1: 7 of 1,614,194 alleles (0.00043%); highest among the groups gnomAD compares: East Asian, 0.016%; no homozygotes.

Submissions (2):

Ambry Genetics
Classification: Uncertain significance for Inborn genetic diseases. Last evaluated: 2024-12-10. Review status: criteria provided, single submitter. Criteria: Ambry Variant Classification Scheme 2023. Collection method: clinical testing. Allele origin: germline.

Labcorp Genetics (formerly Invitae), Labcorp
Classification: Uncertain significance for Myopathy, proximal, and ophthalmoplegia. Last evaluated: 2022-01-13. Review status: criteria provided, single submitter. Criteria: Invitae Variant Classification Sherloc (09022015). Collection method: clinical testing. Allele origin: germline.
Comment: In summary, the available evidence is currently insufficient to determine the role of this variant in disease. Therefore, it has been classified as a Variant of Uncertain Significance. Algorithms developed to predict the effect of missense changes on protein structure and function (SIFT, PolyPhen-2, Align-GVGD) all suggest that this variant is likely to be disruptive. ClinVar contains an entry for this variant (Variation ID: 1052431). This variant has not been reported in the literature in individuals affected with MYH2-related conditions. This variant is present in population databases (rs367639163, gnomAD 0.04%). This sequence change replaces proline, which is neutral and non-polar, with threonine, which is neutral and polar, at codon 228 of the MYH2 protein (p.Pro228Thr).